The following is an entry in ClinVar:

NM_001033046.4(CYBC1):c.422G>A (p.Ser141Asn)

Gene: CYBC1 (cytochrome b-245 chaperone 1; minus strand). Cytogenetic location: 17q25.3.
Variant type: single nucleotide variant.
Coding change: c.422G>A on transcript NM_001033046.4 (MANE Select); coding-DNA position 422, G replaced by A.
Protein change: p.Ser141Asn; replaces serine 141 with asparagine.
Molecular consequence: missense variant. On other transcripts: non-coding transcript variant (4).
Genome position (GRCh38, 1-based): chr17:82,444,468, C>T on the plus strand (G>A on the coding strand, the complement: CYBC1 is on the minus strand). VCF-style: chr17-82444468-C-T. GRCh37 (hg19) VCF-style: chr17-80402344-C-T.
Other names: c.422G>A, p.Ser141Asn (NM_001100407.3, NM_001193653.2, NM_001193654.2 and 2 more transcripts); c.380G>A, p.Ser127Asn (NM_001100408.3); short protein forms S127N, S141N.
Identifiers: ClinVar variation 1682701 (VCV001682701.6), dbSNP rs891547767, ClinGen allele CA295212721.

ClinVar aggregate classification (germline): Uncertain significance (1 of 4 stars; one submission).

Allele frequency attached by ClinVar (database versions not stated): gnomAD exomes 0.00001; TOPMed 0.00002; gnomAD 0.00003 and 0.00004.

Submission:

Labcorp Genetics (formerly Invitae), Labcorp
Classification: Uncertain significance. Last evaluated: 2025-12-15. Review status: criteria provided, single submitter. Criteria: Invitae Variant Classification Sherloc (09022015). Collection method: clinical testing. Allele origin: germline.
Comment: This sequence change replaces serine, which is neutral and polar, with asparagine, which is neutral and polar, at codon 141 of the C17orf62 protein (p.Ser141Asn). This variant is present in population databases (no rsID available, gnomAD 0.002%). This variant has not been reported in the literature in individuals affected with C17orf62-related conditions. ClinVar contains an entry for this variant (Variation ID: 1682701). An algorithm developed to predict the effect of missense changes on protein structure and function outputs the following: PolyPhen-2: "Benign". The asparagine amino acid residue is found in multiple mammalian species, which suggests that this missense change does not adversely affect protein function. In summary, the available evidence is currently insufficient to determine the role of this variant in disease. Therefore, it has been classified as a Variant of Uncertain Significance.